The following is an entry in ClinVar:

ClinVar aggregate classification (germline): Uncertain significance (1 of 4 stars; one submission).

gnomAD v4.1: 6 of 1,613,974 alleles (0.00037%); highest among the groups gnomAD compares: African/African-American, 0.008%; no homozygotes.

Submission:

Labcorp Genetics (formerly Invitae), Labcorp
Classification: Uncertain significance. Last evaluated: 2024-10-31. Review status: criteria provided, single submitter. Criteria: Invitae Variant Classification Sherloc (09022015). Collection method: clinical testing. Allele origin: germline.
Comment: This sequence change replaces asparagine, which is neutral and polar, with serine, which is neutral and polar, at codon 1624 of the RP1 protein (p.Asn1624Ser). This variant is present in population databases (no rsID available, gnomAD 0.02%). This variant has not been reported in the literature in individuals affected with RP1-related conditions. An algorithm developed to predict the effect of missense changes on protein structure and function outputs the following: PolyPhen-2: "Possibly Damaging". The serine amino acid residue is found in multiple mammalian species, which suggests that this missense change does not adversely affect protein function. In summary, the available evidence is currently insufficient to determine the role of this variant in disease. Therefore, it has been classified as a Variant of Uncertain Significance.

NM_006269.2(RP1):c.4871A>G (p.Asn1624Ser)

Gene: RP1 (RP1 axonemal microtubule associated; plus strand). Cytogenetic location: 8q12.1.
Variant type: single nucleotide variant.
Coding change: c.4871A>G on transcript NM_006269.2 (MANE Select); coding-DNA position 4871, A replaced by G.
Protein change: p.Asn1624Ser; replaces asparagine 1624 with serine.
Molecular consequence: missense variant. On other transcripts: intron variant (1).
Genome position (GRCh38, 1-based): chr8:54,628,753, A>G. VCF-style: chr8-54628753-A-G. GRCh37 (hg19) VCF-style: chr8-55541313-A-G.
Other names: c.787+6465A>G (NM_001375654.1); short protein forms N1624S.
Identifiers: ClinVar variation 3697700 (VCV003697700.2).
Genomic context (GRCh38, chr8:54,628,753, plus strand): 5'-ATAAAACATCCAGTGATGATCCCAATGACAGTGGCGAACTTACCCAAGAGAAAGAATATA[A>G]CATAGGATTTGTTAAAAGGGCAATAGAAAAACTGTACGGTAAAGCAGATATTATCAAACC-3'
Protein context (NP_006260.1, residues 1614-1634): SGELTQEKEY[Asn1624Ser]IGFVKRAIEK